The following is an entry in ClinVar:

NM_001369783.1(MLF1):c.615T>C (p.Ser205=)

Gene: MLF1 (myeloid leukemia factor 1; plus strand). Cytogenetic location: 3q25.32.
Variant type: single nucleotide variant.
Coding change: c.615T>C on transcript NM_001369783.1 (MANE Select); coding-DNA position 615, T replaced by C.
Protein change: p.Ser205=; no amino-acid change (serine 205 retained).
Molecular consequence: synonymous variant. On other transcripts: intron variant (2).
Genome position (GRCh38, 1-based): chr3:158,602,808, T>C. VCF-style: chr3-158602808-T-C. GRCh37 (hg19) VCF-style: chr3-158320597-T-C.
Other names: c.495T>C, p.Ser165= (NM_001130156.3, NM_001130157.3, NM_001369784.1 and 4 more transcripts); c.540T>C, p.Ser180= (NM_001195432.4, NM_001195434.2, NM_001369785.1 and 1 more transcripts); c.366T>C, p.Ser122= (NM_001195433.2); c.435T>C, p.Ser145= (NM_001369781.1); c.348T>C, p.Ser116= (NM_001369782.1); c.570T>C, p.Ser190= (NM_001378845.1, NM_022443.5); c.486T>C, p.Ser162= (NM_001378851.1); c.494-2289T>C (NM_001378855.1); and 1 more.
Identifiers: ClinVar variation 3059532 (VCV003059532.2), dbSNP rs4875, ClinGen allele CA2682111.

ClinVar aggregate classification (germline): Benign (0 of 4 stars; one submission).

Conditions:
MLF1-related disorder. Also called: MLF1-related condition.

Allele frequency attached by ClinVar (database versions not stated): gnomAD exomes 0.53279; ExAC 0.54533; 1000 Genomes Project 0.57648; gnomAD 0.57662; 1000 Genomes Project 30x 0.57854; TOPMed 0.58192; ESP Exome Variant Server 0.59659.
gnomAD v4.1: 864,918 of 1,610,636 alleles (54%); highest among the groups gnomAD compares: African/African-American, 72%; 235,459 homozygotes.

Submission:

PreventionGenetics, part of Exact Sciences
Classification: Benign for MLF1-related condition. Last evaluated: 2019-10-17. Review status: no assertion criteria provided. Collection method: clinical testing. Allele origin: germline.
Comment: This variant is classified as benign based on ACMG/AMP sequence variant interpretation guidelines (Richards et al. 2015 PMID: 25741868, with internal and published modifications).